The following is an entry in ClinVar:

NM_001845.6(COL4A1):c.3267C>T (p.Ile1089=)

Gene: COL4A1 (collagen type IV alpha 1 chain; minus strand). Cytogenetic location: 13q34.
Variant type: single nucleotide variant.
Coding change: c.3267C>T on transcript NM_001845.6 (MANE Select); coding-DNA position 3267, C replaced by T.
Protein change: p.Ile1089=; no amino-acid change (isoleucine 1089 retained).
Molecular consequence: synonymous variant.
Genome position (GRCh38, 1-based): chr13:110,174,681, G>A on the plus strand (C>T on the coding strand, the complement: COL4A1 is on the minus strand). VCF-style: chr13-110174681-G-A. GRCh37 (hg19) VCF-style: chr13-110827028-G-A.
Identifiers: ClinVar variation 1629722 (VCV001629722.22), dbSNP rs1480113512, ClinGen allele CA484789387.

ClinVar aggregate classification (germline): Likely benign. Review status: criteria provided, multiple submitters, no conflicts (2 of 4 stars). 2 submissions from 2 submitters: Likely benign (2). Last evaluated 2025-01-15.

Allele frequency attached by ClinVar (database versions not stated): gnomAD exomes 0.00001; TOPMed 0.00001.

Submissions (2):

Labcorp Genetics (formerly Invitae), Labcorp
Classification: Likely benign. Last evaluated: 2025-01-15. Review status: criteria provided, single submitter. Criteria: Invitae Variant Classification Sherloc (09022015). Collection method: clinical testing. Allele origin: germline.

CeGaT Center for Human Genetics Tuebingen
Classification: Likely benign. Last evaluated: 2024-11-01. Review status: criteria provided, single submitter. Criteria: CeGaT Center For Human Genetics Tuebingen Variant Classification Criteria Version 2. Collection method: clinical testing. Allele origin: germline. Affected: yes. Observed: 1 variant allele.
Comment: COL4A1: BP4, BP7